The following is an entry in ClinVar:

NM_005732.4(RAD50):c.1576G>T (p.Glu526Ter)

Gene: RAD50 (RAD50 double strand break repair protein; plus strand). Cytogenetic location: 5q31.1.
Variant type: single nucleotide variant.
Coding change: c.1576G>T on transcript NM_005732.4 (MANE Select); coding-DNA position 1576, G replaced by T.
Protein change: p.Glu526Ter; replaces glutamic acid 526 with a stop codon.
Molecular consequence: nonsense.
Genome position (GRCh38, 1-based): chr5:132,591,347, G>T. VCF-style: chr5-132591347-G-T. GRCh37 (hg19) VCF-style: chr5-131927039-G-T.
Other names: short protein forms E526*.
Identifiers: ClinVar variation 1071594 (VCV001071594.7), dbSNP rs1267858785, ClinGen allele CA360945979.

ClinVar aggregate classification (germline): Pathogenic (1 of 4 stars; one submission).

Conditions:
Hereditary cancer-predisposing syndrome. Also called: Tumor predisposition; Hereditary neoplastic syndrome; Neoplastic Syndromes, Hereditary; Hereditary Cancer Syndrome. Identifiers: Orphanet 140162, MedGen C0027672, MeSH D009386, MONDO:0015356.

Submission:

Labcorp Genetics (formerly Invitae), Labcorp
Classification: Pathogenic for Hereditary cancer-predisposing syndrome. Last evaluated: 2021-10-18. Review status: criteria provided, single submitter. Criteria: Invitae Variant Classification Sherloc (09022015). Collection method: clinical testing. Allele origin: germline.
Comment: This variant is not present in population databases (gnomAD no frequency). For these reasons, this variant has been classified as Pathogenic. ClinVar contains an entry for this variant (Variation ID: 1071594). This variant has not been reported in the literature in individuals affected with RAD50-related conditions. This sequence change creates a premature translational stop signal (p.Glu526*) in the RAD50 gene. It is expected to result in an absent or disrupted protein product. Loss-of-function variants in RAD50 are known to be pathogenic (PMID: 19409520).

Literature cited by the submitters: PubMed 19409520.